The following is an entry in ClinVar:

ClinVar aggregate classification (germline): Pathogenic (1 of 4 stars; one submission).

Conditions:
Autosomal dominant epilepsy with auditory features. Identifiers: Orphanet 101046, MedGen C1838062, MONDO:0010898.

Submission:

Labcorp Genetics (formerly Invitae), Labcorp
Classification: Pathogenic for Autosomal dominant epilepsy with auditory features. Last evaluated: 2020-02-17. Review status: criteria provided, single submitter. Criteria: Invitae Variant Classification Sherloc (09022015). Collection method: clinical testing. Allele origin: germline.
Comment: For these reasons, this variant has been classified as Pathogenic. This variant has not been reported in the literature in individuals with LGI1-related conditions. This variant disrupts the C-terminus of the LGI1 protein. Other variant(s) that disrupt this region (p.Trp376*) have been determined to be pathogenic (Invitae). This suggests that variants that disrupt this region of the protein are likely to be causative of disease. This variant is not present in population databases (ExAC no frequency). This sequence change results in a premature translational stop signal in the LGI1 gene (p.Trp265*). While this is not anticipated to result in nonsense mediated decay, it is expected to disrupt the last 293 amino acids of the LGI1 protein.

NM_005097.4(LGI1):c.795G>A (p.Trp265Ter)

Gene: LGI1 (leucine rich glioma inactivated 1; plus strand). Cytogenetic location: 10q23.33.
Variant type: single nucleotide variant.
Coding change: c.795G>A on transcript NM_005097.4 (MANE Select); coding-DNA position 795, G replaced by A.
Protein change: p.Trp265Ter; replaces tryptophan 265 with a stop codon.
Molecular consequence: nonsense. On other transcripts: non-coding transcript variant (1).
Genome position (GRCh38, 1-based): chr10:93,793,307, G>A. VCF-style: chr10-93793307-G-A. GRCh37 (hg19) VCF-style: chr10-95553064-G-A.
Other names: c.795G>A, p.Trp265Ter (NM_001308275.2); c.651G>A, p.Trp217Ter (NM_001308276.2); short protein forms W217*, W265*.
Identifiers: ClinVar variation 1075145 (VCV001075145.48), dbSNP rs2134021516, ClinGen allele CA377624401.